The following is an entry in ClinVar:

NM_014795.4(ZEB2):c.962A>C (p.His321Pro)

Gene: ZEB2 (zinc finger E-box binding homeobox 2; minus strand). Cytogenetic location: 2q22.3.
Variant type: single nucleotide variant.
Coding change: c.962A>C on transcript NM_014795.4 (MANE Select); coding-DNA position 962, A replaced by C.
Protein change: p.His321Pro; replaces histidine 321 with proline.
Molecular consequence: missense variant.
Genome position (GRCh38, 1-based): chr2:144,400,225, T>G on the plus strand (A>C on the coding strand, the complement: ZEB2 is on the minus strand). VCF-style: chr2-144400225-T-G. GRCh37 (hg19) VCF-style: chr2-145157792-T-G.
Other names: p.H321P:CAT>CCT; c.890A>C, p.His297Pro (NM_001171653.2); short protein forms H321P, H297P.
Identifiers: ClinVar variation 181730 (VCV000181730.2), dbSNP rs730881191, ClinGen allele CA297591.

ClinVar aggregate classification (germline): Uncertain significance (1 of 4 stars; one submission).

Submission:

GeneDx
Classification: Uncertain significance. Last evaluated: 2013-10-14. Review status: criteria provided, single submitter. Criteria: GeneDx Variant Classification (06012015). Collection method: clinical testing. Allele origin: germline. Affected: yes.
Comment: This variant is denoted p.His321Pro at the protein level, c.962 A>C at the cDNA level and results in the change of a Histidine to a Proline (CAT>CCT) in exon 8 of the ZEB2 gene (NM_014795.2). The His321Pro missense change has not been published as a mutation, nor has it been reported as a benign polymorphism to our knowledge. It was not observed in approximately 6,500 individuals of European and African American ancestry in the NHLBI Exome Sequencing Project, indicating it is not a common benign variant in these populations. This variant is a non-conservative amino acid substitution of a positively charged Histidine residue with an uncharged, non-polar Proline residue, and the addition of a Proline, which has a unique ring structure, may alter the secondary structure of the protein. It alters a position in the ZEB2 protein that is highly conserved across species and in silico analysis predicts this variant is probably damaging to the protein structure/function. However, missense mutations in the ZEB2 gene are rare and have been identified in less than 2% of patients with Mowat-Wilson syndrome (Garavelli et al., 2009). Therefore, based on the currently available information, it is unclear whether His321Pro is a disease-causing mutation or a rare benign variant. The variant is found in INFANT-EPI panel(s).